The following is an entry in ClinVar:

ClinVar aggregate classification (germline): Uncertain significance. Review status: criteria provided, single submitter (1 of 4 stars). 3 submissions from 2 submitters: Uncertain significance (2). 1 of the submissions does not count toward it.

Conditions:
Transitory neonatal diabetes mellitus. Also called: Transient neonatal diabetes mellitus. Identifiers: MedGen C0342273, MONDO:0020525, HP:0008255.
Maturity-onset diabetes of the young (MODY). Also called: Maturity onset diabetes mellitus in young. Identifiers: Orphanet 552, MedGen C0342276, MONDO:0018911, HP:0004904.
Hyperinsulinemic hypoglycemia, familial, 1 (HHF1). Also called: Persistent hyperinsulinemic hypoglycemia of infancy; Persistent Hyperinsulinemia Hypoglycemia of Infancy; HYPERINSULINISM, FAMILIAL, WITH PANCREATIC NESIDIOBLASTOSIS; HYPOGLYCEMIA, HYPERINSULINEMIC, OF INFANCY; NESIDIOBLASTOSIS OF PANCREAS. Identifiers: Orphanet 276575, Orphanet 276598, MedGen C2931832, MONDO:0009734, OMIM 256450.

Submissions (3):

Clinical Genomics, Uppaluri K&H Personalized Medicine Clinic
Classification: Uncertain significance for Maturity-onset diabetes of the young. Review status: criteria provided, single submitter. Criteria: K & H Uppaluri Personalized Medicine Clinic Variant Classification & Assertion Criteria_Updated V.1. Collection method: research. Allele origin: somatic. Inheritance: Somatic mutation.
Comment: Mutations in ABCC8 gene are associated with both neonatal diabetes mellitus as well as MODY. Patients with this mutation may have a better response to sulfonylureas. However, no sufficient evidence is found to ascertain the role of this particular variant (rs1554906450) in MODY yet.

Clinical Genomics, Uppaluri K&H Personalized Medicine Clinic
Classification: Uncertain significance for Transitory neonatal diabetes mellitus. Review status: criteria provided, single submitter. Criteria: K & H Uppaluri Personalized Medicine Clinic Variant Classification & Assertion Criteria_Updated V.1. Collection method: research. Allele origin: somatic. Inheritance: Somatic mutation.
Comment: Mutations in ABCC8 gene are associated with both neonatal diabetes mellitus as well as MODY. Patients with this mutation may have a better response to sulfonylureas. However, no sufficient evidence is found to ascertain the role of this particular variant (rs1554906450) in neonatal diabetes yet.

Counsyl
Classification: Likely pathogenic for Hyperinsulinemic hypoglycemia, familial, 1. Last evaluated: 2018-05-22. Review status: no assertion criteria provided. Collection method: clinical testing. Allele origin: unknown. Not counted in ClinVar's aggregate classification.

Literature cited by the submitters: PubMed 16885549 (cited by Clinical Genomics, Uppaluri K&H Personalized Medicine Clinic); PubMed 21989597 (cited by Clinical Genomics, Uppaluri K&H Personalized Medicine Clinic); PubMed 27538677 (cited by Clinical Genomics, Uppaluri K&H Personalized Medicine Clinic); PubMed 18981553 (cited by Clinical Genomics, Uppaluri K&H Personalized Medicine Clinic); PubMed 32027066 (cited by Clinical Genomics, Uppaluri K&H Personalized Medicine Clinic); PubMed 16613899 (cited by Clinical Genomics, Uppaluri K&H Personalized Medicine Clinic); PubMed 18025408 (cited by Clinical Genomics, Uppaluri K&H Personalized Medicine Clinic); PubMed 32792356 (cited by Clinical Genomics, Uppaluri K&H Personalized Medicine Clinic).

NM_000352.6(ABCC8):c.3754-2A>G

Gene: ABCC8 (ATP binding cassette subfamily C member 8; minus strand). Cytogenetic location: 11p15.1.
Variant type: single nucleotide variant.
Coding change: c.3754-2A>G on transcript NM_000352.6 (MANE Select); the canonical splice acceptor site of the intron before coding-DNA position 3754, A replaced by G.
Molecular consequence: splice acceptor variant.
Genome position (GRCh38, 1-based): chr11:17,397,799, T>C on the plus strand (A>G on the coding strand, the complement: ABCC8 is on the minus strand). VCF-style: chr11-17397799-T-C. GRCh37 (hg19) VCF-style: chr11-17419346-T-C.
Other names: c.3751-2A>G (NM_001351297.2); c.3754-2A>G (NM_001351296.2); c.3820-2A>G (NM_001351295.2); c.3757-2A>G (NM_001287174.3).
Identifiers: ClinVar variation 558435 (VCV000558435.3), dbSNP rs1554906450, ClinGen allele CA379793722.